The following is an entry in ClinVar:

ClinVar aggregate classification (germline): Benign (0 of 4 stars; one submission).

Conditions:
MEPE-related disorder. Also called: MEPE-related condition.

Allele frequency attached by ClinVar (database versions not stated): 1000 Genomes Project 30x 0.00094; 1000 Genomes Project 0.00100; ESP Exome Variant Server 0.00261.
gnomAD v4.1: 5,419 of 1,613,824 alleles (0.34%); highest among the groups gnomAD compares: Non-Finnish European, 0.38%; 21 homozygotes.

Submission:

PreventionGenetics, part of Exact Sciences
Classification: Benign for MEPE-related condition. Last evaluated: 2019-05-23. Review status: no assertion criteria provided. Collection method: clinical testing. Allele origin: germline.
Comment: This variant is classified as benign based on ACMG/AMP sequence variant interpretation guidelines (Richards et al. 2015 PMID: 25741868, with internal and published modifications).

NM_020203.6(MEPE):c.616A>G (p.Ser206Gly)

Genes: MEPE (matrix extracellular phosphoglycoprotein; plus strand), MEPE-AS1 (MEPE and IBSP antisense RNA 1; minus strand). Cytogenetic location: 4q22.1.
Variant type: single nucleotide variant.
Coding change: c.616A>G on transcript NM_020203.6 (MANE Select); coding-DNA position 616, A replaced by G.
Protein change: p.Ser206Gly; replaces serine 206 with glycine.
Molecular consequence: missense variant.
Genome position (GRCh38, 1-based): chr4:87,845,484, A>G. VCF-style: chr4-87845484-A-G. GRCh37 (hg19) VCF-style: chr4-88766636-A-G.
Other names: c.616A>G, p.Ser206Gly (NM_001184694.3); c.277A>G, p.Ser93Gly (NM_001184695.4, NM_001184696.2, NM_001184697.2); c.709A>G, p.Ser237Gly (NM_001291183.2); short protein forms S206G, S237G, S93G.
Identifiers: ClinVar variation 3038619 (VCV003038619.2), dbSNP rs115322331, ClinGen allele CA3002685.